The following is an entry in ClinVar:

ClinVar aggregate classification (germline): Uncertain significance (1 of 4 stars; one submission).

Conditions:
Neuropathy, hereditary sensory and autonomic, type 2A (HSAN2A). Also called: HSAN IIA; ACROOSTEOLYSIS, GIACCAI TYPE; ACROOSTEOLYSIS, NEUROGENIC; WNK1-Related HSAN2 (HSAN2A); MORVAN DISEASE; NEUROPATHY, CONGENITAL SENSORY. Identifiers: Orphanet 970, MedGen C2752089, MONDO:0024309, OMIM 201300.
Generalized epilepsy with febrile seizures plus, type 7 (GEFSP7). Also called: GEFS+, TYPE 7. Identifiers: Orphanet 36387, MedGen C2751778, MONDO:0013470, OMIM 613863.

gnomAD v4.1: 3 of 1,612,750 alleles (0.00019%); highest among the groups gnomAD compares: Non-Finnish European, 0.00025%; no homozygotes.

Submission:

Labcorp Genetics (formerly Invitae), Labcorp
Classification: Uncertain significance for Neuropathy, hereditary sensory and autonomic, type 2A; Generalized epilepsy with febrile seizures plus, type 7. Last evaluated: 2021-08-30. Review status: criteria provided, single submitter. Criteria: Invitae Variant Classification Sherloc (09022015). Collection method: clinical testing. Allele origin: germline.
Comment: This sequence change replaces leucine with phenylalanine at codon 803 of the SCN9A protein (p.Leu803Phe). The leucine residue is moderately conserved and there is a small physicochemical difference between leucine and phenylalanine. This variant is present in population databases (rs550245159, ExAC 0.003%). This variant has not been reported in the literature in individuals affected with SCN9A-related conditions. Algorithms developed to predict the effect of missense changes on protein structure and function (SIFT, PolyPhen-2, Align-GVGD) all suggest that this variant is likely to be tolerated. In summary, the available evidence is currently insufficient to determine the role of this variant in disease. Therefore, it has been classified as a Variant of Uncertain Significance.

NM_001365536.1(SCN9A):c.2440C>T (p.Leu814Phe)

Genes: SCN1A-AS1 (SCN1A and SCN9A antisense RNA 1; plus strand), SCN9A (sodium voltage-gated channel alpha subunit 9; minus strand). Cytogenetic location: 2q24.3.
Variant type: single nucleotide variant.
Coding change: c.2440C>T on transcript NM_001365536.1 (MANE Select); coding-DNA position 2440, C replaced by T.
Protein change: p.Leu814Phe; replaces leucine 814 with phenylalanine.
Molecular consequence: missense variant.
Genome position (GRCh38, 1-based): chr2:166,278,217, G>A on the plus strand (C>T on the coding strand, the complement: SCN9A is on the minus strand). VCF-style: chr2-166278217-G-A. GRCh37 (hg19) VCF-style: chr2-167134727-G-A.
Other names: c.2407C>T, p.Leu803Phe (NM_002977.4); short protein forms L803F, L814F.
Identifiers: ClinVar variation 577324 (VCV000577324.6), dbSNP rs550245159, ClinGen allele CA1944272.
Genomic context (GRCh38, chr2:166,278,217, plus strand): 5'-GAACTGACAATCCTTCCACATCTGCTAGAAAGAGCTCCACTAAACTTAAAGTCACAATAA[G>A]GCTGTCAAAAATATTCCAGCCTACTTGGAAATACTCATATGGATCCATGGCAATCAGTTT-3'
Protein context (NP_001352465.1, residues 804-824): FQVGWNIFDS[Leu814Phe]IVTLSLVELF